The following is an entry in ClinVar:

NM_024496.4(IRF2BPL):c.174G>A (p.Lys58=)

Genes: IRF2BPL (interferon regulatory factor 2 binding protein like; minus strand), LOC107984638 (uncharacterized LOC107984638; plus strand). Cytogenetic location: 14q24.3.
Variant type: single nucleotide variant.
Coding change: c.174G>A on transcript NM_024496.4 (MANE Select); coding-DNA position 174, G replaced by A.
Protein change: p.Lys58=; no amino-acid change (lysine 58 retained).
Molecular consequence: synonymous variant. On other transcripts: non-coding transcript variant (3).
Genome position (GRCh38, 1-based): chr14:77,027,619, C>T on the plus strand (G>A on the coding strand, the complement: IRF2BPL is on the minus strand). VCF-style: chr14-77027619-C-T. GRCh37 (hg19) VCF-style: chr14-77493962-C-T.
Identifiers: ClinVar variation 3352962 (VCV003352962.1).

ClinVar aggregate classification (germline): Likely benign (0 of 4 stars; one submission).

Conditions:
IRF2BPL-related disorder. Also called: IRF2BPL-related condition. Identifiers: MedGen CN381093.

Submission:

PreventionGenetics, part of Exact Sciences
Classification: Likely benign for IRF2BPL-related condition. Last evaluated: 2021-09-30. Review status: no assertion criteria provided. Collection method: clinical testing. Allele origin: germline.
Comment: This variant is classified as likely benign based on ACMG/AMP sequence variant interpretation guidelines (Richards et al. 2015 PMID: 25741868, with internal and published modifications).